The following is an entry in ClinVar:

NM_005045.4(RELN):c.6290_6292del (p.Leu2097del)

Gene: RELN (reelin; minus strand). Cytogenetic location: 7q22.1.
Variant type: Deletion.
Coding change: c.6290_6292del on transcript NM_005045.4 (MANE Select); coding-DNA positions 6290 to 6292, 3 bases deleted (TGC; older notation c.6290_6292delTGC).
Protein change: p.Leu2097del; deletes leucine 2097.
Molecular consequence: inframe deletion.
Genome position (GRCh38, 1-based): chr7:103,551,077-103,551,079, GCA deleted on the plus strand (TGC on the coding strand, the reverse complement: RELN is on the minus strand); deleting any 3 consecutive bases within chr7:103,551,077-103,551,081 gives the same sequence; the c. name uses the placement nearest the transcript's 3' end. VCF-style (leftmost placement, unchanged base first): chr7-103551076-TGCA-T. GRCh37 (hg19) VCF-style: chr7-103191523-TGCA-T.
Other names: c.6290_6292del, p.Leu2097del (NM_173054.3); short protein forms L2097del.
Identifiers: ClinVar variation 4282286 (VCV004282286.1).

ClinVar aggregate classification (germline): Uncertain significance (1 of 4 stars; one submission).

Submission:

GeneDx
Classification: Uncertain significance. Last evaluated: 2025-04-17. Review status: criteria provided, single submitter. Criteria: GeneDx Variant Classification Process June 2021. Collection method: clinical testing. Allele origin: germline. Affected: yes.
Comment: Not observed at significant frequency in large population cohorts (gnomAD); In-frame deletion of 1 amino acid in a non-repeat region; In silico analysis supports a deleterious effect on protein structure/function; Has not been previously published as pathogenic or benign to our knowledge